The following is an entry in ClinVar:

NM_014956.5(CEP164):c.3502-2A>G

Gene: CEP164 (centrosomal protein 164; plus strand). Cytogenetic location: 11q23.3.
Variant type: single nucleotide variant.
Coding change: c.3502-2A>G on transcript NM_014956.5 (MANE Select); the canonical splice acceptor site of the intron before coding-DNA position 3502, A replaced by G.
Molecular consequence: splice acceptor variant.
Genome position (GRCh38, 1-based): chr11:117,407,923, A>G. VCF-style: chr11-117407923-A-G. GRCh37 (hg19) VCF-style: chr11-117278639-A-G.
Other names: c.3511-2A>G (NM_001271933.2).
Identifiers: ClinVar variation 2707376 (VCV002707376.3), dbSNP rs2046897646, ClinGen allele CA382740290.
Genomic context (GRCh38, chr11:117,407,923, plus strand): 5'-GGGTTGGGACTCCAGCGTCTGTGTGGGTAGTCATTTCTCCTCTGTTTTCTCCTTGGCTGC[A>G]GGAGACCAGGCACCTGGATGAGATGAAGTCGGCCATGCGGAAAGGCCACAACCTGCTGAA-3'

ClinVar aggregate classification (germline): Pathogenic (1 of 4 stars; one submission).

Conditions:
Nephronophthisis 15 (NPHP15). Identifiers: Orphanet 3156, MedGen C3541853, MONDO:0013917, OMIM 614845.

Submission:

Labcorp Genetics (formerly Invitae), Labcorp
Classification: Pathogenic for Nephronophthisis 15. Last evaluated: 2024-03-21. Review status: criteria provided, single submitter. Criteria: Invitae Variant Classification Sherloc (09022015). Collection method: clinical testing. Allele origin: germline.
Comment: This sequence change affects an acceptor splice site in intron 27 of the CEP164 gene. It is expected to disrupt RNA splicing. Variants that disrupt the donor or acceptor splice site typically lead to a loss of protein function (PMID: 16199547), and loss-of-function variants in CEP164 are known to be pathogenic (PMID: 22863007, 28125082, 32367404, 34132027, 34499853). This variant is not present in population databases (gnomAD no frequency). Disruption of this splice site has been observed in individual(s) with clinical features of CEP164-related conditions (Invitae). In at least one individual the data is consistent with being in trans (on the opposite chromosome) from a pathogenic variant. Algorithms developed to predict the effect of sequence changes on RNA splicing suggest that this variant may disrupt the consensus splice site. For these reasons, this variant has been classified as Pathogenic.

Literature cited by the submitters: PubMed 16199547; PubMed 22863007; PubMed 28125082; PubMed 32367404; PubMed 34132027; PubMed 34499853.